The following is an entry in ClinVar:

ClinVar aggregate classification (germline): Uncertain significance. Review status: criteria provided, multiple submitters, no conflicts (2 of 4 stars). 2 submissions from 2 submitters: Uncertain significance (2). Last evaluated 2025-11-23.

Conditions:
ELN-related disorder.
Supravalvar aortic stenosis (SVAS). Also called: Supravalvar aortic stenosis, Eisenberg type. Identifiers: Orphanet 3193, MedGen C0003499, MONDO:0008504, OMIM 185500, HP:0004381.

Allele frequency attached by ClinVar (database versions not stated): ESP Exome Variant Server 0.00008.
gnomAD v4.1: 19 of 1,612,656 alleles (0.0012%); highest among the groups gnomAD compares: Admixed American, 0.0033%; no homozygotes.

Submissions (2):

Labcorp Genetics (formerly Invitae), Labcorp
Classification: Uncertain significance for Supravalvar aortic stenosis. Last evaluated: 2025-11-23. Review status: criteria provided, single submitter. Criteria: Invitae Variant Classification Sherloc (09022015). Collection method: clinical testing. Allele origin: germline.
Comment: This sequence change replaces glycine, which is neutral and non-polar, with arginine, which is basic and polar, at codon 398 of the ELN protein (p.Gly398Arg). This variant is present in population databases (rs2229427, gnomAD 0.006%). This variant has not been reported in the literature in individuals affected with ELN-related conditions. ClinVar contains an entry for this variant (Variation ID: 2635933). Invitae Evidence Modeling of protein sequence and biophysical properties (such as structural, functional, and spatial information, amino acid conservation, physicochemical variation, residue mobility, and thermodynamic stability) indicates that this missense variant is not expected to disrupt ELN protein function with a negative predictive value of 80%. In summary, the available evidence is currently insufficient to determine the role of this variant in disease. Therefore, it has been classified as a Variant of Uncertain Significance.

PreventionGenetics, part of Exact Sciences
Classification: Uncertain significance for ELN-related condition. Last evaluated: 2024-12-13. Review status: criteria provided, single submitter. Criteria: ACMG Guidelines, 2015. Collection method: clinical testing. Allele origin: germline.
Comment: The ELN c.1192G>C variant is predicted to result in the amino acid substitution p.Gly398Arg. To our knowledge, this variant has not been reported in the literature. This variant is reported in 0.0058% of alleles in individuals of Latino descent in gnomAD. At this time, the clinical significance of this variant is uncertain due to the absence of conclusive functional and genetic evidence.

NM_000501.4(ELN):c.1192G>C (p.Gly398Arg)

Gene: ELN (elastin; plus strand). Cytogenetic location: 7q11.23.
Variant type: single nucleotide variant.
Coding change: c.1192G>C on transcript NM_000501.4 (MANE Select); coding-DNA position 1192, G replaced by C.
Protein change: p.Gly398Arg; replaces glycine 398 with arginine.
Molecular consequence: missense variant.
Genome position (GRCh38, 1-based): chr7:74,056,312, G>C. VCF-style: chr7-74056312-G-C. GRCh37 (hg19) VCF-style: chr7-73470642-G-C.
Other names: c.1150G>C, p.Gly384Arg (NM_001278916.2); c.1162G>C, p.Gly388Arg (NM_001278917.2, NM_001081752.3); c.1060G>C, p.Gly354Arg (NM_001278918.2); c.1192G>C, p.Gly398Arg (NM_001278939.2, NM_001081755.3, NM_001278912.2 and 1 more transcripts); c.1207G>C, p.Gly403Arg (NM_001081753.3, NM_001081754.3); c.1084G>C, p.Gly362Arg (NM_001278913.2); c.1177G>C, p.Gly393Arg (NM_001278914.2); short protein forms G354R, G362R, G384R, G388R, G393R, G398R, G403R.
Identifiers: ClinVar variation 2635933 (VCV002635933.4), dbSNP rs2229427, ClinGen allele CA4292890.